The following is an entry in ClinVar:

NM_001148.6(ANK2):c.8720A>G (p.Asp2907Gly)

Gene: ANK2 (ankyrin 2; plus strand). Cytogenetic location: 4q26.
Variant type: single nucleotide variant.
Coding change: c.8720A>G on transcript NM_001148.6 (MANE Select); coding-DNA position 8720, A replaced by G.
Protein change: p.Asp2907Gly; replaces aspartic acid 2907 with glycine.
Molecular consequence: missense variant. On other transcripts: intron variant (68).
Genome position (GRCh38, 1-based): chr4:113,357,338, A>G. VCF-style: chr4-113357338-A-G. GRCh37 (hg19) VCF-style: chr4-114278494-A-G.
Other names: c.827-3485A>G (NM_001386167.1); c.4127-3485A>G (NM_001354273.2); c.4427-3485A>G (NM_020977.5); c.4484-3485A>G (NM_001386152.1); c.4505-3485A>G (NM_001354237.2); c.4406-3485A>G (NM_001354230.2); c.4469-3485A>G (NM_001354231.2, NM_001354242.2); c.4472-3485A>G (NM_001386144.1, NM_001354240.2, NM_001354241.2); and 35 more; short protein forms D2907G, D2946G, D2954G, D1707G, D2829G.
Identifiers: ClinVar variation 4764157 (VCV004764157.1).

ClinVar aggregate classification (germline): Uncertain significance (1 of 4 stars; one submission).

Conditions:
Long QT syndrome (LQTS). Identifiers: MedGen C0023976, MeSH D008133, MONDO:0002442. Disease mechanism: loss of function. Inheritance: Various modes of inheritance.

gnomAD v4.1: 1 of 1,613,936 alleles (0.000062%); highest among the groups gnomAD compares: African/African-American, 0.0013%; no homozygotes.

Submission:

Labcorp Genetics (formerly Invitae), Labcorp
Classification: Uncertain significance for Long QT syndrome. Last evaluated: 2025-10-21. Review status: criteria provided, single submitter. Criteria: Invitae Variant Classification Sherloc (09022015). Collection method: clinical testing. Allele origin: germline.
Comment: This sequence change replaces aspartic acid, which is acidic and polar, with glycine, which is neutral and non-polar, at codon 2907 of the ANK2 protein (p.Asp2907Gly). This variant is present in population databases (rs759688704, gnomAD 0.007%). This variant has not been reported in the literature in individuals affected with ANK2-related conditions. An algorithm developed to predict the effect of missense changes on protein structure and function outputs the following: PolyPhen-2: "Benign". The glycine amino acid residue is found in multiple mammalian species, which suggests that this missense change does not adversely affect protein function. In summary, the available evidence is currently insufficient to determine the role of this variant in disease. Therefore, it has been classified as a Variant of Uncertain Significance.